The following is an entry in ClinVar:

ClinVar aggregate classification (germline): Uncertain significance (1 of 4 stars; one submission).

Submission:

Labcorp Genetics (formerly Invitae), Labcorp
Classification: Uncertain significance. Last evaluated: 2022-08-16. Review status: criteria provided, single submitter. Criteria: Invitae Variant Classification Sherloc (09022015). Collection method: clinical testing. Allele origin: germline.
Comment: Advanced modeling of protein sequence and biophysical properties (such as structural, functional, and spatial information, amino acid conservation, physicochemical variation, residue mobility, and thermodynamic stability) performed at Invitae indicates that this missense variant is not expected to disrupt FAT4 protein function. In summary, the available evidence is currently insufficient to determine the role of this variant in disease. Therefore, it has been classified as a Variant of Uncertain Significance. ClinVar contains an entry for this variant (Variation ID: 1480710). This variant has not been reported in the literature in individuals affected with FAT4-related conditions. This variant is not present in population databases (gnomAD no frequency). This sequence change replaces proline, which is neutral and non-polar, with leucine, which is neutral and non-polar, at codon 1608 of the FAT4 protein (p.Pro1608Leu).

NM_001291303.3(FAT4):c.4823C>T (p.Pro1608Leu)

Gene: FAT4 (FAT atypical cadherin 4; plus strand). Cytogenetic location: 4q28.1.
Variant type: single nucleotide variant.
Coding change: c.4823C>T on transcript NM_001291303.3 (MANE Select); coding-DNA position 4823, C replaced by T.
Protein change: p.Pro1608Leu; replaces proline 1608 with leucine.
Molecular consequence: missense variant.
Genome position (GRCh38, 1-based): chr4:125,321,234, C>T. VCF-style: chr4-125321234-C-T. GRCh37 (hg19) VCF-style: chr4-126242389-C-T.
Other names: c.4823C>T, p.Pro1608Leu (NM_001291285.3, NM_024582.6); short protein forms P1608L.
Identifiers: ClinVar variation 1480710 (VCV001480710.8), dbSNP rs2125945804, ClinGen allele CA358128355.